The following is an entry in ClinVar:

ClinVar aggregate classification (germline): Uncertain significance (1 of 4 stars; one submission).

Submission:

Labcorp Genetics (formerly Invitae), Labcorp
Classification: Uncertain significance. Last evaluated: 2023-11-13. Review status: criteria provided, single submitter. Criteria: Invitae Variant Classification Sherloc (09022015). Collection method: clinical testing. Allele origin: unknown.
Comment: This variant is a gross deletion of the genomic region encompassing exon(s) 16 of the MCM2 gene, which includes the termination codon. This deletion extends beyond the assayed region for this gene and therefore may encompass additional genes. While this deletion is not anticipated to lead to nonsense mediated decay, it is expected to alter mRNA translation or result in a truncated protein product. This variant has not been reported in the literature in individuals affected with MCM2-related conditions. In summary, the available evidence is currently insufficient to determine the role of this variant in disease. Therefore, it has been classified as a Variant of Uncertain Significance.

NC_000003.11:g.(?_127340486)_(127340616_?)del

Gene: MCM2 (minichromosome maintenance complex component 2; plus strand). Cytogenetic location: 3q21.3.
Variant type: Deletion.
Identifiers: ClinVar variation 3246995 (VCV003246995.1).